The following is an entry in ClinVar:

NM_001136472.2(LITAF):c.271C>T (p.Pro91Ser)

Gene: LITAF (lipopolysaccharide induced TNF factor; minus strand). Cytogenetic location: 16p13.13.
Variant type: single nucleotide variant.
Coding change: c.271C>T on transcript NM_001136472.2 (MANE Select); coding-DNA position 271, C replaced by T.
Protein change: p.Pro91Ser; replaces proline 91 with serine.
Molecular consequence: missense variant. On other transcripts: non-coding transcript variant (1).
Genome position (GRCh38, 1-based): chr16:11,553,639, G>A on the plus strand (C>T on the coding strand, the complement: LITAF is on the minus strand). VCF-style: chr16-11553639-G-A. GRCh37 (hg19) VCF-style: chr16-11647495-G-A.
Other names: c.271C>T, p.Pro91Ser (NM_001136473.1, NM_004862.4); short protein forms P91S.
Identifiers: ClinVar variation 2706974 (VCV002706974.3), dbSNP rs2506598934, ClinGen allele CA394765767.

ClinVar aggregate classification (germline): Uncertain significance (1 of 4 stars; one submission).

Conditions:
Charcot-Marie-Tooth disease type 1C. Also called: CHARCOT-MARIE-TOOTH DISEASE, DEMYELINATING, TYPE 1C; CHARCOT-MARIE-TOOTH NEUROPATHY, TYPE 1C; NEUROPATHY, HEREDITARY MOTOR AND SENSORY, TYPE IC; CMT, SLOW NERVE CONDUCTION TYPE C; HMSN IC; Charcot-Marie-Tooth disease, type IC. Identifiers: Orphanet 101083, MedGen C0270913, MONDO:0010995, OMIM 601098.

Allele frequency attached by ClinVar (database versions not stated): gnomAD exomes below 0.00001.
gnomAD v4.1: 1 of 1,614,126 alleles (0.000062%); highest among the groups gnomAD compares: South Asian, 0.0011%; no homozygotes.

Submission:

Labcorp Genetics (formerly Invitae), Labcorp
Classification: Uncertain significance for Charcot-Marie-Tooth disease type 1C. Last evaluated: 2024-02-23. Review status: criteria provided, single submitter. Criteria: Invitae Variant Classification Sherloc (09022015). Collection method: clinical testing. Allele origin: germline.
Comment: This sequence change replaces proline, which is neutral and non-polar, with serine, which is neutral and polar, at codon 91 of the LITAF protein (p.Pro91Ser). This variant is not present in population databases (gnomAD no frequency). This variant has not been reported in the literature in individuals affected with LITAF-related conditions. An algorithm developed to predict the effect of missense changes on protein structure and function (PolyPhen-2) suggests that this variant is likely to be disruptive. In summary, the available evidence is currently insufficient to determine the role of this variant in disease. Therefore, it has been classified as a Variant of Uncertain Significance.